The following is an entry in ClinVar:

ClinVar aggregate classification (germline): Uncertain significance (1 of 4 stars; one submission).

Submission:

Women's Health and Genetics/Laboratory Corporation of America, LabCorp
Classification: Uncertain significance. Last evaluated: 2025-11-10. Review status: criteria provided, single submitter. Criteria: LabCorp Variant Classification Summary - May 2015. Collection method: clinical testing. Allele origin: germline.
Comment: Variant summary: The variant involves the deletion of exons 15 in the VWA3B gene. A presumed nomenclature of c.(2019+1_2020-1)_(2150+1_2151-1)del has been designated for the purposes of this classification. This Copy Number Variant (CNV) is expected to alter the reading frame and predicted to result in a truncation or absence of the encoded protein due to nonsense mediated decay (NMD). Current evidence is not sufficient to establish loss of function as a mechanism for disease. The variant was absent in 21664 control chromosomes. The available data on variant occurrences in the general population are insufficient to allow any conclusion about variant significance. To our knowledge, no occurrence of c.(2019+1_2020-1)_(2150+1_2151-1)del in individuals affected with VWA3B-related conditions and no experimental evidence demonstrating its impact on protein function have been reported. No submitters have cited clinical-significance assessments for this variant to ClinVar. Based on the evidence outlined above, the variant was classified as uncertain significance.

NC_000002.11:g.(98834492_98844664)_(98844796_98846512)del

Gene: VWA3B (von Willebrand factor A domain containing 3B; plus strand). Cytogenetic location: 2q11.2.
Variant type: Deletion.
Identifiers: ClinVar variation 4536928 (VCV004536928.1).